The following is an entry in ClinVar:

NM_016492.5(RANGRF):c.-19A>C

Genes: RANGRF (RAN guanine nucleotide release factor; plus strand), SLC25A35 (solute carrier family 25 member 35; minus strand). Cytogenetic location: 17p13.1.
Variant type: single nucleotide variant.
Coding change: c.-19A>C on transcript NM_016492.5 (MANE Select); 19 bases upstream of the start codon, A replaced by C.
Molecular consequence: 5 prime UTR variant. On other transcripts: 3 prime UTR variant (1), non-coding transcript variant (1), intron variant (1).
Genome position (GRCh38, 1-based): chr17:8,288,770, A>C. VCF-style: chr17-8288770-A-C. GRCh37 (hg19) VCF-style: chr17-8192088-A-C.
Other names: c.-19A>C (NM_001177801.2, NM_001177802.2, NM_001330127.2); c.*846T>G (NM_201520.3); c.*43-338T>G (NM_001320871.2).
Identifiers: ClinVar variation 392541 (VCV000392541.3), dbSNP rs745773336, ClinGen allele CA8374271.

ClinVar aggregate classification (germline): Likely benign (1 of 4 stars; one submission).

Allele frequency attached by ClinVar (database versions not stated): gnomAD 0.00003; gnomAD exomes 0.00002; ExAC 0.00004; TOPMed 0.00003.

Submission:

GeneDx
Classification: Likely benign. Last evaluated: 2017-01-11. Review status: criteria provided, single submitter. Criteria: GeneDx Variant Classification (06012015). Collection method: clinical testing. Allele origin: germline. Affected: yes.
Comment: This variant is considered likely benign or benign based on one or more of the following criteria: it is a conservative change, it occurs at a poorly conserved position in the protein, it is predicted to be benign by multiple in silico algorithms, and/or has population frequency not consistent with disease.